The following is an entry in ClinVar:

ClinVar aggregate classification (germline): Conflicting classifications of pathogenicity. Review status: criteria provided, conflicting classifications (1 of 4 stars). 9 submissions from 9 submitters: Uncertain significance (4); Benign (2); Likely benign (3). Last evaluated 2026-01-16.

Conditions:
Autosomal recessive nonsyndromic hearing loss 49. Also called: Deafness, neurosensory, autosomal recessive 49. Identifiers: Orphanet 90636, MedGen C1857811, MONDO:0012420, OMIM 610153.

Allele frequency attached by ClinVar (database versions not stated): 1000 Genomes Project 0.00020; 1000 Genomes Project 30x 0.00031; TOPMed 0.00124; ESP Exome Variant Server 0.00161; gnomAD 0.00163 and 0.00170; gnomAD exomes 0.00167; ExAC 0.00181.

Submissions (9):

Labcorp Genetics (formerly Invitae), Labcorp
Classification: Benign. Last evaluated: 2026-01-16. Review status: criteria provided, single submitter. Criteria: Invitae Variant Classification Sherloc (09022015). Collection method: clinical testing. Allele origin: germline.

Blueprint Genetics
Classification: Likely benign. Last evaluated: 2024-11-25. Review status: criteria provided, single submitter. Criteria: ACMG Guidelines, 2015. Collection method: clinical testing. Allele origin: germline.

CeGaT Center for Human Genetics Tuebingen
Classification: Likely benign. Last evaluated: 2024-03-01. Review status: criteria provided, single submitter. Criteria: CeGaT Center For Human Genetics Tuebingen Variant Classification Criteria Version 2. Collection method: clinical testing. Allele origin: germline. Affected: yes. Observed: 1 variant allele.
Comment: MARVELD2: BP4

GeneDx
Classification: Benign. Last evaluated: 2019-11-26. Review status: criteria provided, single submitter. Criteria: GeneDx Variant Classification Process June 2021. Collection method: clinical testing. Allele origin: germline. Affected: yes.
Comment: This variant is associated with the following publications: (PMID: 25885414)

Athena Diagnostics
Classification: Uncertain significance. Last evaluated: 2018-11-12. Review status: criteria provided, single submitter. Criteria: Athena Diagnostics Criteria. Collection method: clinical testing. Allele origin: germline.

Fulgent Genetics
Classification: Uncertain significance for Autosomal recessive nonsyndromic hearing loss 49. Last evaluated: 2017-05-23. Review status: criteria provided, single submitter. Criteria: ACMG Guidelines, 2015. Collection method: clinical testing. Allele origin: unknown.

Illumina Laboratory Services, Illumina
Classification: Uncertain significance for Autosomal recessive nonsyndromic hearing loss 49. Last evaluated: 2017-04-27. Review status: criteria provided, single submitter. Criteria: ICSL Variant Classification Criteria 13 December 2019. Collection method: clinical testing. Allele origin: germline.
Comment: This variant was observed as part of a predisposition screen in an ostensibly healthy population. A literature search was performed for the gene, cDNA change, and amino acid change (where applicable). Publications were found based on this search. However, the evidence from the literature, in combination with allele frequency data from public databases where available, was not sufficient to rule this variant in or out of causing disease. Therefore, this variant is classified as a variant of unknown significance.

Eurofins Ntd Llc (ga)
Classification: Uncertain significance. Last evaluated: 2015-03-30. Review status: criteria provided, single submitter. Criteria: EGL Classification Definitions 2015. Collection method: clinical testing. Allele origin: germline. Observed: 2 variant alleles, 2 heterozygotes.

Laboratory for Molecular Medicine, Mass General Brigham Personalized Medicine
Classification: Likely benign. Last evaluated: 2015-01-26. Review status: criteria provided, single submitter. Criteria: LMM Criteria. Collection method: clinical testing. Allele origin: germline. Observed: 7 variant alleles.
Comment: p.Leu300Met in exon 2 of MARVELD2: This variant is not expected to have clinical significance because it has been identified in 0.3% (178/67708) of European chr omosomes by the Exome Aggregation Consortium (ExAC, rg; dbSNP rs72773422). In addition, 3 species (chicken, duck, and lizard) have a methionine (Met) at this position despite high nearby amino acid conservation, supporting that this change may be tolerated.

Literature cited by the submitters: PubMed 25885414 (cited by Athena Diagnostics and Illumina Laboratory Services, Illumina).

NM_001038603.3(MARVELD2):c.898T>A (p.Leu300Met)

Gene: MARVELD2 (MARVEL domain containing 2; plus strand). Cytogenetic location: 5q13.2.
Variant type: single nucleotide variant.
Coding change: c.898T>A on transcript NM_001038603.3 (MANE Select); coding-DNA position 898, T replaced by A.
Protein change: p.Leu300Met; replaces leucine 300 with methionine.
Molecular consequence: missense variant.
Genome position (GRCh38, 1-based): chr5:69,420,283, T>A. VCF-style: chr5-69420283-T-A. GRCh37 (hg19) VCF-style: chr5-68716110-T-A.
Other names: c.898T>A, p.Leu300Met (NM_001244734.2); short protein forms L300M.
Identifiers: ClinVar variation 178409 (VCV000178409.47), dbSNP rs72773422, ClinGen allele CA182270.